The following is an entry in ClinVar:

NM_144997.7(FLCN):c.1120G>C (p.Val374Leu)

Gene: FLCN (folliculin; minus strand). Cytogenetic location: 17p11.2.
Variant type: single nucleotide variant.
Coding change: c.1120G>C on transcript NM_144997.7 (MANE Select); coding-DNA position 1120, G replaced by C.
Protein change: p.Val374Leu; replaces valine 374 with leucine.
Molecular consequence: missense variant.
Genome position (GRCh38, 1-based): chr17:17,217,125, C>G on the plus strand (G>C on the coding strand, the complement: FLCN is on the minus strand). VCF-style: chr17-17217125-C-G. GRCh37 (hg19) VCF-style: chr17-17120439-C-G.
Other names: c.1174G>C, p.Val392Leu (NM_001353229.2); c.1120G>C, p.Val374Leu (NM_001353230.2, NM_001353231.2); short protein forms V374L, V392L.
Identifiers: ClinVar variation 1022766 (VCV001022766.7), dbSNP rs1270035315, ClinGen allele CA398532287.

ClinVar aggregate classification (germline): Uncertain significance. Review status: criteria provided, multiple submitters, no conflicts (2 of 4 stars). 3 submissions from 3 submitters: Uncertain significance (3). Last evaluated 2024-03-20.

Conditions:
Hereditary cancer-predisposing syndrome. Also called: Hereditary neoplastic syndrome; Neoplastic Syndromes, Hereditary; Tumor predisposition; Hereditary Cancer Syndrome. Identifiers: Orphanet 140162, MedGen C0027672, MeSH D009386, MONDO:0015356.
Birt-Hogg-Dube syndrome. Also called: Birt Hogg Dubé syndrome. Identifiers: Orphanet 122, MedGen C0346010, MONDO:0800444.

Allele frequency attached by ClinVar (database versions not stated): TOPMed 0.00001.
gnomAD v4.1: 1 of 1,614,152 alleles (0.000062%); highest among the groups gnomAD compares: Non-Finnish European, 0.000085%; no homozygotes.

Submissions (3):

Labcorp Genetics (formerly Invitae), Labcorp
Classification: Uncertain significance for Birt-Hogg-Dube syndrome. Last evaluated: 2024-03-20. Review status: criteria provided, single submitter. Criteria: Invitae Variant Classification Sherloc (09022015). Collection method: clinical testing. Allele origin: germline.
Comment: This sequence change replaces valine, which is neutral and non-polar, with leucine, which is neutral and non-polar, at codon 374 of the FLCN protein (p.Val374Leu). This variant is not present in population databases (gnomAD no frequency). This variant has not been reported in the literature in individuals affected with FLCN-related conditions. ClinVar contains an entry for this variant (Variation ID: 1022766). Advanced modeling of protein sequence and biophysical properties (such as structural, functional, and spatial information, amino acid conservation, physicochemical variation, residue mobility, and thermodynamic stability) performed at Invitae indicates that this missense variant is not expected to disrupt FLCN protein function with a negative predictive value of 80%. In summary, the available evidence is currently insufficient to determine the role of this variant in disease. Therefore, it has been classified as a Variant of Uncertain Significance.

Ambry Genetics
Classification: Uncertain significance for Hereditary cancer-predisposing syndrome. Last evaluated: 2024-01-11. Review status: criteria provided, single submitter. Criteria: Ambry Variant Classification Scheme 2023. Collection method: clinical testing. Allele origin: germline.
Comment: The p.V374L variant (also known as c.1120G>C), located in coding exon 7 of the FLCN gene, results from a G to C substitution at nucleotide position 1120. The valine at codon 374 is replaced by leucine, an amino acid with highly similar properties. This amino acid position is highly conserved in available vertebrate species. In addition, this alteration is predicted to be deleterious by in silico analysis. Since supporting evidence is limited at this time, the clinical significance of this alteration remains unclear.

Sema4
Classification: Uncertain significance for Hereditary cancer-predisposing syndrome. Last evaluated: 2022-01-04. Review status: criteria provided, single submitter. Criteria: Sema4 Curation Guidelines. Collection method: curation. Allele origin: germline.
Comment: To the best of our knowledge, the FLCN c.1120G>C p.V374L variant has not been reported in individuals with FLCN-related disease. It was not observed in the Genome Aggregation Database (PMID: 32461654). The variant has been reported in ClinVar (Variation ID 1022766). Functional studies have not been performed, and in silico predictions of the variant's effect on protein function are inconclusive. The evidence is insufficient to meet ACMG/AMP criteria for classifying the variant as benign or pathogenic. Thus, the clinical significance of this variant is currently uncertain.